The following is an entry in ClinVar:

ClinVar aggregate classification (germline): Benign/Likely benign. Review status: criteria provided, multiple submitters, no conflicts (2 of 4 stars). 3 submissions from 3 submitters: Benign (1); Likely benign (2). Last evaluated 2026-05-18.

Allele frequency attached by ClinVar (database versions not stated): gnomAD exomes 0.00027 and 0.00057; TOPMed 0.00028; gnomAD 0.00029; 1000 Genomes Project 0.00040; 1000 Genomes Project 30x 0.00047; ExAC 0.00050; ESP Exome Variant Server 0.00057.
gnomAD v4.1: 470 of 1,609,986 alleles (0.029%); highest among the groups gnomAD compares: South Asian, 0.044%; no homozygotes.

Submissions (3):

Women's Health and Genetics/Laboratory Corporation of America, LabCorp
Classification: Likely benign. Last evaluated: 2026-05-18. Review status: criteria provided, single submitter. Criteria: LabCorp Variant Classification Summary - May 2015. Collection method: clinical testing. Allele origin: germline.
Comment: Variant summary: ACAN c.70+9A>T alters a nucleotide located at a position not widely known to affect splicing. The variant allele was found at a frequency of 0.00057 in 247888 control chromosomes. This frequency is not significantly higher than estimated for disease-causing variants in ACAN, allowing no conclusion about variant significance. To our knowledge, no occurrence of c.70+9A>T in individuals affected with ACAN-related conditions and no experimental evidence demonstrating its impact on protein function have been reported. ClinVar contains an entry for this variant (Variation ID: 760057). Based on the evidence outlined above, the variant was classified as likely benign.

Labcorp Genetics (formerly Invitae), Labcorp
Classification: Benign. Last evaluated: 2026-01-19. Review status: criteria provided, single submitter. Criteria: Invitae Variant Classification Sherloc (09022015). Collection method: clinical testing. Allele origin: germline.

Blueprint Genetics
Classification: Likely benign. Last evaluated: 2024-09-30. Review status: criteria provided, single submitter. Criteria: ACMG Guidelines, 2015. Collection method: clinical testing. Allele origin: germline.

NM_001369268.1(ACAN):c.70+9A>T

Gene: ACAN (aggrecan; plus strand). Cytogenetic location: 15q26.1.
Variant type: single nucleotide variant.
Coding change: c.70+9A>T on transcript NM_001369268.1 (MANE Select); 9 bases into the intron after coding-DNA position 70, A replaced by T.
Molecular consequence: intron variant.
Genome position (GRCh38, 1-based): chr15:88,836,285, A>T. VCF-style: chr15-88836285-A-T. GRCh37 (hg19) VCF-style: chr15-89379516-A-T.
Other names: c.70+9A>T (NM_013227.4, NM_001135.4).
Identifiers: ClinVar variation 760057 (VCV000760057.13), dbSNP rs185836629, ClinGen allele CA7719120.